The following is an entry in ClinVar:

NM_015559.3(SETBP1):c.901C>T (p.Pro301Ser)

Gene: SETBP1 (SET binding protein 1; plus strand). Cytogenetic location: 18q12.3.
Variant type: single nucleotide variant.
Coding change: c.901C>T on transcript NM_015559.3 (MANE Select); coding-DNA position 901, C replaced by T.
Protein change: p.Pro301Ser; replaces proline 301 with serine.
Molecular consequence: missense variant.
Genome position (GRCh38, 1-based): chr18:44,950,241, C>T. VCF-style: chr18-44950241-C-T. GRCh37 (hg19) VCF-style: chr18-42530206-C-T.
Other names: c.901C>T, p.Pro301Ser (NM_001379141.1, NM_001379142.1, NM_001410862.1); short protein forms P301S.
Identifiers: ClinVar variation 3680453 (VCV003680453.2).
Genomic context (GRCh38, chr18:44,950,241, plus strand): 5'-AACAAAGATCTGCTCTTGGGAGGTGTGGCTCCATCCCCAAGCAGCCACAGCTCACCAGCC[C>T]CACCCAGCAGCTCTGCTGAGTGCAACGGGCTTCAGCCCTTGGTGGATCAAGATGGAGGAG-3'
Protein context (NP_056374.2, residues 291-311): PSPSSHSSPA[Pro301Ser]PSSSAECNGL

ClinVar aggregate classification (germline): Uncertain significance (1 of 4 stars; one submission).

gnomAD v4.1: 1 of 1,613,994 alleles (0.000062%); highest among the groups gnomAD compares: Admixed American, 0.0017%; no homozygotes.

Submission:

Labcorp Genetics (formerly Invitae), Labcorp
Classification: Uncertain significance. Last evaluated: 2025-01-08. Review status: criteria provided, single submitter. Criteria: Invitae Variant Classification Sherloc (09022015). Collection method: clinical testing. Allele origin: germline.
Comment: This sequence change replaces proline, which is neutral and non-polar, with serine, which is neutral and polar, at codon 301 of the SETBP1 protein (p.Pro301Ser). This variant is present in population databases (no rsID available, gnomAD 0.003%). This variant has not been reported in the literature in individuals affected with SETBP1-related conditions. Invitae Evidence Modeling of protein sequence and biophysical properties (such as structural, functional, and spatial information, amino acid conservation, physicochemical variation, residue mobility, and thermodynamic stability) indicates that this missense variant is not expected to disrupt SETBP1 protein function with a negative predictive value of 80%. In summary, the available evidence is currently insufficient to determine the role of this variant in disease. Therefore, it has been classified as a Variant of Uncertain Significance.